The following is an entry in ClinVar:

ClinVar aggregate classification (germline): Likely benign. Review status: criteria provided, multiple submitters, no conflicts (2 of 4 stars). 5 submissions from 5 submitters: Likely benign (5). Last evaluated 2025-10-25.

Conditions:
Cardiomyopathy (CMYO). Also called: Cardiomyopathies. Identifiers: Orphanet 167848, MedGen C0878544, MONDO:0004994, HP:0001638. Inheritance: Various modes of inheritance.
Hypertrophic cardiomyopathy. Also called: HYPERTROPHIC MYOCARDIOPATHY. Identifiers: Orphanet 217569, MedGen C0007194, MeSH D002312, MONDO:0005045, HP:0001639.

Allele frequency attached by ClinVar (database versions not stated): TOPMed 0.00001; ExAC 0.00002; gnomAD exomes 0.00002; 1000 Genomes Project 30x 0.00016; 1000 Genomes Project 0.00020.
gnomAD v4.1: 25 of 1,596,378 alleles (0.0016%); highest among the groups gnomAD compares: Middle Eastern, 0.033%; no homozygotes.

Submissions (5):

Labcorp Genetics (formerly Invitae), Labcorp
Classification: Likely benign for Hypertrophic cardiomyopathy. Last evaluated: 2025-10-25. Review status: criteria provided, single submitter. Criteria: Invitae Variant Classification Sherloc (09022015). Collection method: clinical testing. Allele origin: germline.

Blueprint Genetics
Classification: Likely benign. Last evaluated: 2024-07-19. Review status: criteria provided, single submitter. Criteria: ACMG Guidelines, 2015. Collection method: clinical testing. Allele origin: germline.

Color Diagnostics, LLC DBA Color Health
Classification: Likely benign for Cardiomyopathy. Last evaluated: 2018-10-26. Review status: criteria provided, single submitter. Criteria: ACMG Guidelines, 2015. Collection method: clinical testing. Allele origin: germline.

GeneDx
Classification: Likely benign. Last evaluated: 2015-12-07. Review status: criteria provided, single submitter. Criteria: GeneDx Variant Classification (06012015). Collection method: clinical testing. Allele origin: germline. Affected: yes.
Comment: This variant is considered likely benign or benign based on one or more of the following criteria: it is a conservative change, it occurs at a poorly conserved position in the protein, it is predicted to be benign by multiple in silico algorithms, and/or has population frequency not consistent with disease.

Breakthrough Genomics
Classification: Likely benign. Review status: criteria provided, single submitter. Criteria: ACMG Guidelines, 2015. Collection method: not provided. Allele origin: germline. Inheritance: Autosomal dominant inheritance. Affected: yes.

NC_000011.10:g.47348556G>A

Gene: MYBPC3 (myosin binding protein C3; minus strand). Cytogenetic location: 11p11.2.
Variant type: single nucleotide variant.
Genome position: GRCh38 VCF-style: chr11-47348556-G-A. GRCh37 (hg19) VCF-style: chr11-47370107-G-A.
Other names: c.655-15C>T (LRG_386t1, NM_000256.3).
Identifiers: ClinVar variation 382022 (VCV000382022.10), dbSNP rs188327777, ClinGen allele CA056294.